The following is an entry in ClinVar:

NM_001267550.2(TTN):c.99034A>T (p.Lys33012Ter)

Genes: TTN (titin; minus strand), TTN-AS1 (TTN antisense RNA 1; plus strand). Cytogenetic location: 2q31.2.
Variant type: single nucleotide variant.
Coding change: c.99034A>T on transcript NM_001267550.2 (MANE Select); coding-DNA position 99034, A replaced by T.
Protein change: p.Lys33012Ter; replaces lysine 33012 with a stop codon.
Molecular consequence: nonsense. On other transcripts: non-coding transcript variant (1).
Genome position (GRCh38, 1-based): chr2:178,538,795, T>A on the plus strand (A>T on the coding strand, the complement: TTN is on the minus strand). VCF-style: chr2-178538795-T-A. GRCh37 (hg19) VCF-style: chr2-179403522-T-A.
Other names: c.99034A>T (NM_001267550.1); c.91330A>T, p.Lys30444Ter (NM_133378.4); c.94111A>T, p.Lys31371Ter (NM_001256850.1); c.71839A>T, p.Lys23947Ter (NM_003319.4); c.72214A>T, p.Lys24072Ter (NM_133432.3); c.72415A>T, p.Lys24139Ter (NM_133437.4); short protein forms K30444*, K33012*, K23947*, K24139*, K31371*, K24072*.
Identifiers: ClinVar variation 208622 (VCV000208622.31), dbSNP rs771511344, ClinGen allele CA276022.

ClinVar aggregate classification (germline): Pathogenic/Likely pathogenic. Review status: criteria provided, multiple submitters, no conflicts (2 of 4 stars). 5 submissions from 5 submitters: Pathogenic (1); Likely pathogenic (4). Last evaluated 2026-02-04.

Conditions:
Cardiovascular phenotype. Identifiers: MedGen CN230736.
Dilated cardiomyopathy 1G (CMD1G). Identifiers: Orphanet 154, MedGen C1858763, MONDO:0011400, OMIM 604145.
Autosomal recessive limb-girdle muscular dystrophy type 2J (LGMDR10). Also called: MUSCULAR DYSTROPHY, LIMB-GIRDLE, AUTOSOMAL RECESSIVE 10; Limb-girdle muscular dystrophy, type 2J. Identifiers: Orphanet 140922, MedGen C1837342, MONDO:0012127, OMIM 608807.

gnomAD v4.1: 5 of 1,612,436 alleles (0.00031%); highest among the groups gnomAD compares: Non-Finnish European, 0.00034%; no homozygotes.

Submissions (5):

GeneDx
Classification: Pathogenic. Last evaluated: 2026-02-04. Review status: criteria provided, single submitter. Criteria: GeneDx Variant Classification Process June 2021. Collection method: clinical testing. Allele origin: germline. Affected: yes.
Comment: Nonsense variant predicted to result in protein truncation or nonsense mediated decay in a gene for which loss of function is a known mechanism of disease; Located in the A-band, a region of TTN for which truncating variants are significantly associated with autosomal dominant cardiomyopathy and also with autosomal recessive skeletal myopathies (PMID: 22335739, 32778822); Reported in the heterozygous state in an individual with DCM (PMID: 22335739); Not observed at significant frequency in large population cohorts (gnomAD); This variant is associated with the following publications: (PMID: 34461741, 38438525, 22335739, 32778822)

CeGaT Center for Human Genetics Tuebingen
Classification: Likely pathogenic. Last evaluated: 2025-07-01. Review status: criteria provided, single submitter. Criteria: CeGaT Center For Human Genetics Tuebingen Variant Classification Criteria Version 2. Collection method: clinical testing. Allele origin: germline. Affected: yes. Observed: 1 variant allele.
Comment: TTN: PVS1:Strong, PM2, PS4:Supporting

Labcorp Genetics (formerly Invitae), Labcorp
Classification: Likely pathogenic for Dilated cardiomyopathy 1G; Autosomal recessive limb-girdle muscular dystrophy type 2J. Last evaluated: 2025-02-18. Review status: criteria provided, single submitter. Criteria: Invitae Variant Classification Sherloc (09022015). Collection method: clinical testing. Allele origin: germline.
Comment: This sequence change creates a premature translational stop signal (p.Lys33012*) in the TTN gene. While this is not anticipated to result in nonsense mediated decay, it is expected to create a truncated TTN protein. This variant is not present in population databases (gnomAD no frequency). This premature translational stop signal has been observed in individual(s) with dilated cardiomyopathy (PMID: 22335739). This variant is also known as c.94111A>T (p.Lys31371X). ClinVar contains an entry for this variant (Variation ID: 208622). This variant is located in the A band of TTN (PMID: 25589632). Truncating variants in this region are significantly overrepresented in patients affected with dilated cardiomyopathy (PMID: 25589632). Truncating variants in this region have also been reported in individuals affected with autosomal recessive centronuclear myopathy (PMID: 23975875). In summary, the currently available evidence indicates that the variant is pathogenic, but additional data are needed to prove that conclusively. Therefore, this variant has been classified as Likely Pathogenic.

Ambry Genetics
Classification: Likely pathogenic for Cardiovascular phenotype. Last evaluated: 2024-05-09. Review status: criteria provided, single submitter. Criteria: Ambry Variant Classification Scheme 2023. Collection method: clinical testing. Allele origin: germline.
Comment: The p.K23947* variant (also known as c.71839A>T), located in coding exon 181 of the TTN gene, results from an A to T substitution at nucleotide position 71839. This changes the amino acid from a lysine to a stop codon within coding exon 181. This exon is located in the A-band region of the N2-B isoform of the titin protein and is constitutively expressed in TTN transcripts (percent spliced in or PSI 100%). This alteration has been reported in a dilated cardiomyopathy (DCM) cohort (Herman DS et al. N Engl J Med, 2012 Feb;366:619-28). This alteration is expected to result in loss of function by premature protein truncation or nonsense-mediated mRNA decay. While truncating variants in TTN are present in 1-3% of the general population, truncating variants in the A-band are the most common cause of dilated cardiomyopathy (DCM) (Herman DS et al. N. Engl. J. Med., 2012 Feb;366:619-28; Roberts AM et al. Sci Transl Med, 2015 Jan;7:270ra6). TTN truncating variants encoded in constitutive exons (PSI >90%) have been found to be significantly associated with DCM regardless of their position in titin (Schafer S et al. Nat. Genet., 2017 01;49:46-53). This variant is considered to be rare based on population cohorts in the Genome Aggregation Database (gnomAD). Based on the majority of available evidence to date, this variant is likely to be pathogenic.

Laboratory for Molecular Medicine, Mass General Brigham Personalized Medicine
Classification: Likely pathogenic for Dilated cardiomyopathy 1G. Last evaluated: 2014-05-15. Review status: criteria provided, single submitter. Criteria: LMM Criteria. Collection method: clinical testing. Allele origin: germline. Inheritance: Autosomal dominant inheritance. Observed: 1 variant allele. Study: CSER-MedSeq.
Comment: The Lys30444X variant in TTN has not been previously reported in individuals with cardiomyopathy and was absent from large population studies. Our laboratory has detected this variant in one family where it was present in 3 affected individuals. This nonsense variant leads to a premature termination codon at position 30444, which is predicted to lead to a truncated or absent protein. Nonsense and other truncating variants in TTN are strongly associated with DCM and the majority occur in exons encoding for the A-band region of the protein (Herman 2012, Pugh 2014), where this variant is located. In summary, although additional studies are required to fully establish its clinical significance, the Lys30444X variant is likely pathogenic.

Literature cited by the submitters: PubMed 22335739 (cited by Labcorp Genetics (formerly Invitae), Labcorp and Ambry Genetics); PubMed 25589632 (cited by Labcorp Genetics (formerly Invitae), Labcorp); PubMed 23975875 (cited by Labcorp Genetics (formerly Invitae), Labcorp).